The following is an entry in ClinVar:

ClinVar aggregate classification (germline): Uncertain significance (1 of 4 stars; one submission).

Conditions:
Developmental and epileptic encephalopathy, 30 (DEE30). Also called: Epileptic encephalopathy, early infantile, 30. Identifiers: MedGen C4225360, MONDO:0014595, OMIM 616341.

Submission:

Labcorp Genetics (formerly Invitae), Labcorp
Classification: Uncertain significance for Developmental and epileptic encephalopathy, 30. Last evaluated: 2025-05-22. Review status: criteria provided, single submitter. Criteria: Invitae Variant Classification Sherloc (09022015). Collection method: clinical testing. Allele origin: germline.
Comment: This sequence change affects codon 487 of the SIK1 mRNA. It is a 'silent' change, meaning that it does not change the encoded amino acid sequence of the SIK1 protein. It affects a nucleotide within the consensus splice site. This variant is not present in population databases (gnomAD no frequency). This variant has not been reported in the literature in individuals affected with SIK1-related conditions. Algorithms developed to predict the effect of sequence changes on RNA splicing suggest that this variant is not likely to affect RNA splicing. In summary, the available evidence is currently insufficient to determine the role of this variant in disease. Therefore, it has been classified as a Variant of Uncertain Significance.

NM_173354.5(SIK1):c.1461A>T (p.Pro487=)

Gene: SIK1 (salt inducible kinase 1; minus strand). Cytogenetic location: 21q22.3.
Variant type: single nucleotide variant.
Coding change: c.1461A>T on transcript NM_173354.5 (MANE Select); coding-DNA position 1461, A replaced by T.
Protein change: p.Pro487=; no amino-acid change (proline 487 retained).
Molecular consequence: synonymous variant.
Genome position (GRCh38, 1-based): chr21:43,419,022, T>A on the plus strand (A>T on the coding strand, the complement: SIK1 is on the minus strand). VCF-style: chr21-43419022-T-A. GRCh37 (hg19) VCF-style: chr21-44838902-T-A.
Identifiers: ClinVar variation 4773942 (VCV004773942.1).